The following is an entry in ClinVar:

NM_006440.5(TXNRD2):c.820C>T (p.Arg274Trp)

Gene: TXNRD2 (thioredoxin reductase 2; minus strand). Cytogenetic location: 22q11.21.
Variant type: single nucleotide variant.
Coding change: c.820C>T on transcript NM_006440.5 (MANE Select); coding-DNA position 820, C replaced by T.
Protein change: p.Arg274Trp; replaces arginine 274 with tryptophan.
Molecular consequence: missense variant. On other transcripts: non-coding transcript variant (1).
Genome position (GRCh38, 1-based): chr22:19,895,536, G>A on the plus strand (C>T on the coding strand, the complement: TXNRD2 is on the minus strand). VCF-style: chr22-19895536-G-A. GRCh37 (hg19) VCF-style: chr22-19883059-G-A.
Other names: c.820C>T, p.Arg274Trp (NM_001282512.3); c.817C>T, p.Arg273Trp (NM_001352300.2); c.730C>T, p.Arg244Trp (NM_001352301.2); c.532C>T, p.Arg178Trp (NM_001352302.2); c.724C>T, p.Arg242Trp (NM_001352303.2); short protein forms R178W, R242W, R244W, R273W, R274W.
Identifiers: ClinVar variation 1316459 (VCV001316459.11), dbSNP rs571571452, ClinGen allele CA10103970.
Genomic context (GRCh38, chr22:19,895,536, plus strand): 5'-CCTGCAGCTGGCCATCAGGGAGCCTCCTGACCCGCGAGGGGGCACAGCCCCTCAGGAACC[G>A]GGTGCCATGAGATGCCATGTGCTCTATGACCATGGAGGACATTTGCTGCAAAGCACAAGA-3'
Protein context (NP_006431.2, residues 264-284): VIEHMASHGT[Arg274Trp]FLRGCAPSRV

ClinVar aggregate classification (germline): Uncertain significance. Review status: criteria provided, multiple submitters, no conflicts (2 of 4 stars). 3 submissions from 3 submitters: Uncertain significance (3). Last evaluated 2025-11-12.

Conditions:
Primary dilated cardiomyopathy (DCM). Also called: Dilated Cardiomyopathy. Identifiers: Orphanet 217604, MedGen C0007193, MeSH D002311, MONDO:0005021, HP:0001644. Inheritance: Various modes of inheritance.
Cardiovascular phenotype. Identifiers: MedGen CN230736.

Allele frequency attached by ClinVar (database versions not stated): gnomAD exomes 0.00001 and 0.00002; 1000 Genomes Project 30x 0.00031; 1000 Genomes Project 0.00040; gnomAD 0.00006; ExAC 0.00002.
gnomAD v4.1: 27 of 1,613,514 alleles (0.0017%); highest among the groups gnomAD compares: East Asian, 0.025%; no homozygotes.

Submissions (3):

Labcorp Genetics (formerly Invitae), Labcorp
Classification: Uncertain significance for Primary dilated cardiomyopathy. Last evaluated: 2025-11-12. Review status: criteria provided, single submitter. Criteria: Invitae Variant Classification Sherloc (09022015). Collection method: clinical testing. Allele origin: germline.
Comment: This sequence change replaces arginine, which is basic and polar, with tryptophan, which is neutral and slightly polar, at codon 274 of the TXNRD2 protein (p.Arg274Trp). This variant is present in population databases (rs571571452, gnomAD 0.02%). This variant has not been reported in the literature in individuals affected with TXNRD2-related conditions. ClinVar contains an entry for this variant (Variation ID: 1316459). Invitae Evidence Modeling of protein sequence and biophysical properties (such as structural, functional, and spatial information, amino acid conservation, physicochemical variation, residue mobility, and thermodynamic stability) indicates that this missense variant is expected to disrupt TXNRD2 protein function with a positive predictive value of 80%. In summary, the available evidence is currently insufficient to determine the role of this variant in disease. Therefore, it has been classified as a Variant of Uncertain Significance.

Ambry Genetics
Classification: Uncertain significance for Cardiovascular phenotype. Last evaluated: 2024-07-14. Review status: criteria provided, single submitter. Criteria: Ambry Variant Classification Scheme 2023. Collection method: clinical testing. Allele origin: germline.
Comment: The p.R274W variant (also known as c.820C>T), located in coding exon 11 of the TXNRD2 gene, results from a C to T substitution at nucleotide position 820. The arginine at codon 274 is replaced by tryptophan, an amino acid with dissimilar properties. This amino acid position is poorly conserved in available vertebrate species. In addition, this alteration is predicted to be tolerated by in silico analysis. Since supporting evidence is limited at this time, the clinical significance of this alteration remains unclear.

GeneDx
Classification: Uncertain significance. Last evaluated: 2024-06-17. Review status: criteria provided, single submitter. Criteria: GeneDx Variant Classification Process June 2021. Collection method: clinical testing. Allele origin: germline. Affected: yes.
Comment: Has not been previously published as pathogenic or benign to our knowledge; In silico analysis supports that this missense variant has a deleterious effect on protein structure/function